The following is an entry in ClinVar:

NM_001270.4(CHD1):c.3334C>T (p.Arg1112Cys)

Gene: CHD1 (chromodomain helicase DNA binding protein 1; minus strand). Cytogenetic location: 5q15.
Variant type: single nucleotide variant.
Coding change: c.3334C>T on transcript NM_001270.4 (MANE Select); coding-DNA position 3334, C replaced by T.
Protein change: p.Arg1112Cys; replaces arginine 1112 with cysteine.
Molecular consequence: missense variant. On other transcripts: non-coding transcript variant (2).
Genome position (GRCh38, 1-based): chr5:98,876,462, G>A on the plus strand (C>T on the coding strand, the complement: CHD1 is on the minus strand). VCF-style: chr5-98876462-G-A. GRCh37 (hg19) VCF-style: chr5-98212166-G-A.
Other names: c.3334C>T, p.Arg1112Cys (NM_001364113.3, NM_001376194.2); short protein forms R1112C.
Identifiers: ClinVar variation 3355281 (VCV003355281.1).
Genomic context (GRCh38, chr5:98,876,462, plus strand): 5'-TAATTTCTGCATCACTAAATCCTTTAATATTCTCCCGAGGAATAGTCCGTGGTCTTCCAC[G>A]TTTCTTTGGCCTTTTCCCTTCTGAGATGGAATCACTATCAGATCCAGAGTATCTCCTACT-3'
Protein context (NP_001261.2, residues 1102-1122): SISEGKRPKK[Arg1112Cys]GRPRTIPREN

ClinVar aggregate classification (germline): Uncertain significance (0 of 4 stars; one submission).

Conditions:
CHD1-related disorder. Also called: CHD1-related condition.

Submission:

PreventionGenetics, part of Exact Sciences
Classification: Uncertain significance for CHD1-related condition. Last evaluated: 2024-04-16. Review status: no assertion criteria provided. Collection method: clinical testing. Allele origin: germline.
Comment: The CHD1 c.3334C>T variant is predicted to result in the amino acid substitution p.Arg1112Cys. To our knowledge, this variant has not been reported in the literature. This variant is reported in 0.00088% of alleles in individuals of European (Non-Finnish) descent in gnomAD. At this time, the clinical significance of this variant is uncertain due to the absence of conclusive functional and genetic evidence.